The following is an entry in ClinVar:

ClinVar aggregate classification (germline): Uncertain significance. Review status: criteria provided, multiple submitters, no conflicts (2 of 4 stars). 6 submissions from 6 submitters: Uncertain significance (6). Last evaluated 2025-12-11.

Conditions:
RYR2-related disorder. Also called: RYR2-related condition.
Catecholaminergic polymorphic ventricular tachycardia (CVPT). Also called: Catecholamine-induced polymorphic ventricular tachycardia. Identifiers: Orphanet 3286, MedGen C5574922, MONDO:0017990.
Cardiovascular phenotype. Identifiers: MedGen CN230736.
Catecholaminergic polymorphic ventricular tachycardia 1. Also called: RYR2-Related Catecholaminergic Polymorphic Ventricular Tachycardia; VENTRICULAR TACHYCARDIA, STRESS-INDUCED POLYMORPHIC 1; VENTRICULAR TACHYCARDIA, CATECHOLAMINERGIC POLYMORPHIC, 1, WITH OR WITHOUT ATRIAL DYSFUNCTION AND/OR DILATED CARDIOMYOPATHY. Identifiers: Orphanet 3286, MedGen C1631597, MONDO:0011484, OMIM 604772.

gnomAD v4.1: 1 of 1,479,256 alleles (0.000068%); highest among the groups gnomAD compares: Non-Finnish European, 0.000091%; no homozygotes.

Submissions (6):

Ambry Genetics
Classification: Uncertain significance for Cardiovascular phenotype. Last evaluated: 2025-12-11. Review status: criteria provided, single submitter. Criteria: Ambry Variant Classification Scheme 2023. Collection method: clinical testing. Allele origin: germline.
Comment: The p.M935I variant (also known as c.2805G>A), located in coding exon 24 of the RYR2 gene, results from a G to A substitution at nucleotide position 2805. The methionine at codon 935 is replaced by isoleucine, an amino acid with highly similar properties. This amino acid position is highly conserved in available vertebrate species. In addition, the in silico prediction for this alteration is inconclusive. Based on the available evidence, the clinical significance of this variant remains unclear.

Labcorp Genetics (formerly Invitae), Labcorp
Classification: Uncertain significance for Catecholaminergic polymorphic ventricular tachycardia 1. Last evaluated: 2025-10-08. Review status: criteria provided, single submitter. Criteria: Invitae Variant Classification Sherloc (09022015). Collection method: clinical testing. Allele origin: germline.
Comment: This sequence change replaces methionine, which is neutral and non-polar, with isoleucine, which is neutral and non-polar, at codon 935 of the RYR2 protein (p.Met935Ile). The frequency data for this variant in the population databases is considered unreliable, as metrics indicate poor data quality at this position in the gnomAD database. This variant has not been reported in the literature in individuals affected with RYR2-related conditions. ClinVar contains an entry for this variant (Variation ID: 179675). Invitae Evidence Modeling of protein sequence and biophysical properties (such as structural, functional, and spatial information, amino acid conservation, physicochemical variation, residue mobility, and thermodynamic stability) indicates that this missense variant is not expected to disrupt RYR2 protein function with a negative predictive value of 95%. In summary, the available evidence is currently insufficient to determine the role of this variant in disease. Therefore, it has been classified as a Variant of Uncertain Significance.

PreventionGenetics, part of Exact Sciences
Classification: Uncertain significance for RYR2-related condition. Last evaluated: 2023-06-02. Review status: criteria provided, single submitter. Criteria: ACMG Guidelines, 2015. Collection method: clinical testing. Allele origin: germline.
Comment: The RYR2 c.2805G>A variant is predicted to result in the amino acid substitution p.Met935Ile. To our knowledge, this variant has not been reported in the literature. This variant is reported in 0.0013% of alleles in individuals of European (Non-Finnish) descent in gnomAD. At this time, the clinical significance of this variant is uncertain due to the absence of conclusive functional and genetic evidence.

All of Us Research Program, National Institutes of Health
Classification: Uncertain significance for Catecholaminergic polymorphic ventricular tachycardia. Last evaluated: 2023-05-04. Review status: criteria provided, single submitter. Criteria: ACMG Guidelines, 2015. Collection method: clinical testing. Allele origin: germline. Inheritance: Autosomal dominant inheritance. Observed: 1 variant allele, 1 heterozygote.
Comment: This missense variant replaces methionine with isoleucine at codon 935 of the RYR2 protein. Computational prediction is inconclusive regarding the impact of this variant on protein structure and function (internally defined REVEL score threshold 0.5 < inconclusive < 0.7, PMID: 27666373). To our knowledge, functional studies have not been reported for this variant. This variant has not been reported in individuals affected with RYR2-related disorders in the literature. This variant has been identified in 1/182590 chromosomes in the general population by the Genome Aggregation Database (gnomAD). The available evidence is insufficient to determine the role of this variant in disease conclusively. Therefore, this variant is classified as a Variant of Uncertain Significance.

This study involves interpretation of variants in research participants for the purpose of population health screening. Participant phenotype was not available at the time of variant classification. Additional details can be found in publication PMID: 35346344, PMCID: PMC8962531

Women's Health and Genetics/Laboratory Corporation of America, LabCorp
Classification: Uncertain significance. Last evaluated: 2016-01-26. Review status: criteria provided, single submitter. Criteria: LabCorp Variant Classification Summary - May 2015. Collection method: clinical testing. Allele origin: germline.
Comment: Variant summary: RYR2 c.2805G>A affects a conserved nucleotide, resulting in amino acid change from Met to Ile. 2/4 in-silico tools predict this variant to be benign (SNPs&GO not captured due to low reliability index). This variant is not found in 30480 control chromosomes. The variant of interest has not, to our knowledge, been reported in affected individuals via publications, nor evaluated for functional impact by in vivo/vitro studies.At least one clinical diagnostic lab classifies the variant as a VUS. Because of the absence of clinical information and the lack of functional studies, the variant was classified as a variant of uncertain significance (VUS) until additional information becomes available.

Laboratory for Molecular Medicine, Mass General Brigham Personalized Medicine
Classification: Uncertain significance. Last evaluated: 2014-04-09. Review status: criteria provided, single submitter. Criteria: LMM Criteria. Collection method: clinical testing. Allele origin: germline. Observed: 1 variant allele.
Comment: The Met935Ile variant in RYR2 has not been previously reported in individuals wi th cardiomyopathy or in large population studies. Computational prediction tools and conservation analysis do not provide strong support for or against an impac t to the protein. Additional information is needed to fully assess the clinical significance of the Met935Ile variant.

NM_001035.3(RYR2):c.2805G>A (p.Met935Ile)

Gene: RYR2 (ryanodine receptor 2; plus strand). Cytogenetic location: 1q43.
Variant type: single nucleotide variant.
Coding change: c.2805G>A on transcript NM_001035.3 (MANE Select); coding-DNA position 2805, G replaced by A.
Protein change: p.Met935Ile; replaces methionine 935 with isoleucine.
Molecular consequence: missense variant.
Genome position (GRCh38, 1-based): chr1:237,511,774, G>A. VCF-style: chr1-237511774-G-A. GRCh37 (hg19) VCF-style: chr1-237675074-G-A.
Other names: short protein forms M935I.
Identifiers: ClinVar variation 179675 (VCV000179675.12), dbSNP rs727505044, ClinGen allele CA008956.